The following is an entry in ClinVar:

ClinVar aggregate classification (germline): Uncertain significance. Review status: criteria provided, multiple submitters, no conflicts (2 of 4 stars). 2 submissions from 2 submitters: Uncertain significance (2). Last evaluated 2025-01-01.

Conditions:
Hereditary cancer-predisposing syndrome. Also called: Tumor predisposition; Hereditary neoplastic syndrome; Hereditary Cancer Syndrome; Neoplastic Syndromes, Hereditary. Identifiers: Orphanet 140162, MedGen C0027672, MeSH D009386, MONDO:0015356.
Retinoblastoma (RB1). Also called: RETINOBLASTOMA, SOMATIC. Identifiers: Orphanet 790, MedGen C0035335, MeSH D012175, MONDO:0008380, OMIM 180200, HP:0009919. Disease mechanism: loss of function. Inheritance: Both sporadic and heritable forms are tested..

Allele frequency attached by ClinVar (database versions not stated): gnomAD exomes below 0.00001.
gnomAD v4.1: 3 of 1,612,622 alleles (0.00019%); highest among the groups gnomAD compares: Non-Finnish European, 0.00025%; no homozygotes.

Submissions (2):

Ambry Genetics
Classification: Uncertain significance for Hereditary cancer-predisposing syndrome. Last evaluated: 2025-01-01. Review status: criteria provided, single submitter. Criteria: Ambry Variant Classification Scheme 2023. Collection method: clinical testing. Allele origin: germline.
Comment: The p.L110V variant (also known as c.328C>G), located in coding exon 3 of the RB1 gene, results from a C to G substitution at nucleotide position 328. The leucine at codon 110 is replaced by valine, an amino acid with highly similar properties. This amino acid position is conserved. In addition, the in silico prediction for this alteration is inconclusive. Based on the available evidence, the clinical significance of this variant remains unclear.

Labcorp Genetics (formerly Invitae), Labcorp
Classification: Uncertain significance for Retinoblastoma. Last evaluated: 2024-05-07. Review status: criteria provided, single submitter. Criteria: Invitae Variant Classification Sherloc (09022015). Collection method: clinical testing. Allele origin: germline.
Comment: This sequence change replaces leucine, which is neutral and non-polar, with valine, which is neutral and non-polar, at codon 110 of the RB1 protein (p.Leu110Val). This variant is not present in population databases (gnomAD no frequency). This variant has not been reported in the literature in individuals affected with RB1-related conditions. ClinVar contains an entry for this variant (Variation ID: 2146261). Advanced modeling of protein sequence and biophysical properties (such as structural, functional, and spatial information, amino acid conservation, physicochemical variation, residue mobility, and thermodynamic stability) performed at Invitae indicates that this missense variant is not expected to disrupt RB1 protein function with a negative predictive value of 80%. In summary, the available evidence is currently insufficient to determine the role of this variant in disease. Therefore, it has been classified as a Variant of Uncertain Significance.

NM_000321.3(RB1):c.328C>G (p.Leu110Val)

Gene: RB1 (RB transcriptional corepressor 1; plus strand). Cytogenetic location: 13q14.2.
Variant type: single nucleotide variant.
Coding change: c.328C>G on transcript NM_000321.3 (MANE Select); coding-DNA position 328, C replaced by G.
Protein change: p.Leu110Val; replaces leucine 110 with valine.
Molecular consequence: missense variant.
Genome position (GRCh38, 1-based): chr13:48,342,662, C>G. VCF-style: chr13-48342662-C-G. GRCh37 (hg19) VCF-style: chr13-48916798-C-G.
Other names: c.328C>G, p.Leu110Val (NM_001407165.1, NM_001407166.1); short protein forms L110V.
Identifiers: ClinVar variation 2146261 (VCV002146261.5), dbSNP rs2138083849, ClinGen allele CA388252453.
Genomic context (GRCh38, chr13:48,342,662, plus strand): 5'-GGTTATATTCAAAAGAAAAAGGAACTGTGGGGAATCTGTATCTTTATTGCAGCAGTTGAC[C>G]TAGATGAGATGTCGTTCACTTTTACTGAGCTACAGAAAAACATAGAAATCAGGTAAAGTT-3'
Protein context (NP_000312.2, residues 100-120): GICIFIAAVD[Leu110Val]DEMSFTFTEL